The following is an entry in ClinVar:

ClinVar aggregate classification (germline): Uncertain significance (1 of 4 stars; one submission).

Conditions:
Neuropathy, hereditary sensory and autonomic, type 2A (HSAN2A). Also called: HSAN IIA; WNK1-Related HSAN2 (HSAN2A); ACROOSTEOLYSIS, GIACCAI TYPE; ACROOSTEOLYSIS, NEUROGENIC; MORVAN DISEASE; NEUROPATHY, CONGENITAL SENSORY. Identifiers: Orphanet 970, MedGen C2752089, MONDO:0024309, OMIM 201300.
Pseudohypoaldosteronism type 2C (PHA2C). Also called: Pseudohypoaldosteronism Type IIC. Identifiers: Orphanet 757, Orphanet 88940, MedGen C1840391, MONDO:0013778, OMIM 614492.

Submission:

Labcorp Genetics (formerly Invitae), Labcorp
Classification: Uncertain significance for Neuropathy, hereditary sensory and autonomic, type 2A; Pseudohypoaldosteronism type 2C. Last evaluated: 2025-01-06. Review status: criteria provided, single submitter. Criteria: Invitae Variant Classification Sherloc (09022015). Collection method: clinical testing. Allele origin: germline.
Comment: This sequence change replaces proline, which is neutral and non-polar, with threonine, which is neutral and polar, at codon 1874 of the WNK1 protein (p.Pro1874Thr). This variant is not present in population databases (gnomAD no frequency). This variant has not been reported in the literature in individuals affected with WNK1-related conditions. ClinVar contains an entry for this variant (Variation ID: 2953069). Invitae Evidence Modeling of protein sequence and biophysical properties (such as structural, functional, and spatial information, amino acid conservation, physicochemical variation, residue mobility, and thermodynamic stability) indicates that this missense variant is not expected to disrupt WNK1 protein function with a negative predictive value of 95%. In summary, the available evidence is currently insufficient to determine the role of this variant in disease. Therefore, it has been classified as a Variant of Uncertain Significance.

NM_018979.4(WNK1):c.4864C>A (p.Pro1622Thr)

Gene: WNK1 (WNK lysine deficient protein kinase 1; plus strand). Cytogenetic location: 12p13.33.
Variant type: single nucleotide variant.
Coding change: c.4864C>A on transcript NM_018979.4 (MANE Select); coding-DNA position 4864, C replaced by A.
Protein change: p.Pro1622Thr; replaces proline 1622 with threonine.
Molecular consequence: missense variant.
Genome position (GRCh38, 1-based): chr12:885,668, C>A. VCF-style: chr12-885668-C-A. GRCh37 (hg19) VCF-style: chr12-994834-C-A.
Other names: c.5644C>A, p.Pro1882Thr (NM_001184985.2); c.4123C>A, p.Pro1375Thr (NM_014823.3); c.5620C>A, p.Pro1874Thr (NM_213655.5); short protein forms P1375T, P1622T, P1874T, P1882T.
Identifiers: ClinVar variation 2953069 (VCV002953069.3), dbSNP rs1346287016, ClinGen allele CA383332089.